The following is an entry in ClinVar:

NM_005477.3(HCN4):c.2523G>A (p.Ser841=)

Gene: HCN4 (hyperpolarization activated cyclic nucleotide gated potassium channel 4; minus strand). Cytogenetic location: 15q24.1.
Variant type: single nucleotide variant.
Coding change: c.2523G>A on transcript NM_005477.3 (MANE Select); coding-DNA position 2523, G replaced by A.
Protein change: p.Ser841=; no amino-acid change (serine 841 retained).
Molecular consequence: synonymous variant.
Genome position (GRCh38, 1-based): chr15:73,323,570, C>T on the plus strand (G>A on the coding strand, the complement: HCN4 is on the minus strand). VCF-style: chr15-73323570-C-T. GRCh37 (hg19) VCF-style: chr15-73615911-C-T.
Identifiers: ClinVar variation 198822 (VCV000198822.17), dbSNP rs768157473, ClinGen allele CA247657.
Genomic context (GRCh38, chr15:73,323,570, plus strand): 5'-CTGTTGGATGTGGAAGGAGGATGAAGACGGTGTGTCCACCTGGGACGGGCTGCTGGCGGG[C>T]GAGGCGGAGCCCAGCGCAGAAGGGATCAGGGACTGCAGCCGTTTCAGGTGCCTTGGCGTC-3'
Protein context (NP_005468.1, residues 831-851): SLIPSALGSA[Ser841=]PASSPSQVDT

ClinVar aggregate classification (germline): Conflicting classifications of pathogenicity. Review status: criteria provided, conflicting classifications (1 of 4 stars). 5 submissions from 5 submitters: Uncertain significance (1); Likely benign (3). 1 of the submissions does not count toward it. Last evaluated 2024-08-11.

Conditions:
HCN4-related disorder. Also called: HCN4-related condition.
Cardiovascular phenotype. Identifiers: MedGen CN230736.
Brugada syndrome 8 (BRGDA8). Identifiers: Orphanet 130, MedGen C2751083, MONDO:0013148, OMIM 613123.

Allele frequency attached by ClinVar (database versions not stated): gnomAD 0.00001; TOPMed 0.00001; gnomAD exomes 0.00003 and 0.00006; ExAC 0.00007.
gnomAD v4.1: 37 of 1,600,480 alleles (0.0023%); highest among the groups gnomAD compares: East Asian, 0.016%; no homozygotes.

Submissions (5):

Labcorp Genetics (formerly Invitae), Labcorp
Classification: Likely benign for Brugada syndrome 8. Last evaluated: 2024-08-11. Review status: criteria provided, single submitter. Criteria: Invitae Variant Classification Sherloc (09022015). Collection method: clinical testing. Allele origin: germline.

Blueprint Genetics
Classification: Likely benign. Last evaluated: 2024-08-07. Review status: criteria provided, single submitter. Criteria: ACMG Guidelines, 2015. Collection method: clinical testing. Allele origin: germline.

Ambry Genetics
Classification: Likely benign for Cardiovascular phenotype. Last evaluated: 2020-03-26. Review status: criteria provided, single submitter. Criteria: Ambry Variant Classification Scheme 2023. Collection method: clinical testing. Allele origin: germline.

Eurofins Ntd Llc (ga)
Classification: Uncertain significance. Last evaluated: 2015-04-16. Review status: criteria provided, single submitter. Criteria: EGL Classification Definitions 2015. Collection method: clinical testing. Allele origin: germline. Observed: 1 variant allele, 1 heterozygote.

PreventionGenetics, part of Exact Sciences
Classification: Likely benign for HCN4-related condition. Last evaluated: 2019-08-15. Review status: no assertion criteria provided. Collection method: clinical testing. Allele origin: germline. Not counted in ClinVar's aggregate classification.
Comment: This variant is classified as likely benign based on ACMG/AMP sequence variant interpretation guidelines (Richards et al. 2015 PMID: 25741868, with internal and published modifications).